The following is an entry in ClinVar:

NM_001142864.4(PIEZO1):c.2330-6T>C

Genes: HSALR1 (HSP90AB1 associated lncRNA 1; plus strand), PIEZO1 (piezo type mechanosensitive ion channel component 1 (Er blood group); minus strand). Cytogenetic location: 16q24.3.
Variant type: single nucleotide variant.
Coding change: c.2330-6T>C on transcript NM_001142864.4 (MANE Select); 6 bases into the intron before coding-DNA position 2330, T replaced by C.
Molecular consequence: intron variant.
Genome position (GRCh38, 1-based): chr16:88,733,751, A>G on the plus strand (T>C on the coding strand, the complement: PIEZO1 is on the minus strand). VCF-style: chr16-88733751-A-G. GRCh37 (hg19) VCF-style: chr16-88800159-A-G.
Identifiers: ClinVar variation 3067409 (VCV003067409.22), dbSNP rs762333855, ClinGen allele CA8232798.
Genomic context (GRCh38, chr16:88,733,751, plus strand): 5'-AAGCCGGCTGCCAGCTCCAGCAGCCGCTCAGCCACCAGGCCCCACTTGGCTGCCCCTGTG[A>G]TGGTGTGAGGGTCAGTGCGGGGCACAAACGGGGATTCCCGGGTCCCCTGTGAGGAAGAGG-3'

ClinVar aggregate classification (germline): Likely benign. Review status: criteria provided, multiple submitters, no conflicts (2 of 4 stars). 2 submissions from 2 submitters: Likely benign (2). Last evaluated 2024-11-22.

Allele frequency attached by ClinVar (database versions not stated): TOPMed 0.00001; gnomAD exomes 0.00002; gnomAD 0.00005; ExAC 0.00020.
gnomAD v4.1: 41 of 1,540,658 alleles (0.0027%); highest among the groups gnomAD compares: Non-Finnish European, 0.0031%; no homozygotes.

Submissions (2):

Blueprint Genetics
Classification: Likely benign. Last evaluated: 2024-11-22. Review status: criteria provided, single submitter. Criteria: ACMG Guidelines, 2015. Collection method: clinical testing. Allele origin: germline.

CeGaT Center for Human Genetics Tuebingen
Classification: Likely benign. Last evaluated: 2024-03-01. Review status: criteria provided, single submitter. Criteria: CeGaT Center For Human Genetics Tuebingen Variant Classification Criteria Version 2. Collection method: clinical testing. Allele origin: germline. Affected: yes. Observed: 1 variant allele.
Comment: PIEZO1: BP4